The following is an entry in ClinVar:

ClinVar aggregate classification (germline): Uncertain significance. Review status: criteria provided, multiple submitters, no conflicts (2 of 4 stars). 3 submissions from 3 submitters: Uncertain significance (3). Last evaluated 2024-12-20.

Conditions:
Charcot-Marie-Tooth disease type 2. Also called: Charcot-Marie-Tooth type 2. Identifiers: Orphanet 64746, MedGen C0270914, MONDO:0018993.
Neuroblastoma, susceptibility to, 1. Identifiers: MedGen C2749485, MONDO:0009741, OMIM 256700.
Charcot-Marie-Tooth disease type 2A1. Also called: CHARCOT-MARIE-TOOTH DISEASE, AXONAL, TYPE 2A1; CHARCOT-MARIE-TOOTH DISEASE, AXONAL, AUTOSOMAL DOMINANT, TYPE 2A1; CHARCOT-MARIE-TOOTH DISEASE, NEURONAL, TYPE 2A1; CHARCOT-MARIE-TOOTH NEUROPATHY, TYPE 2A1; HEREDITARY MOTOR AND SENSORY NEUROPATHY IIA1. Identifiers: Orphanet 99946, MedGen C1861678, MONDO:0007308, OMIM 118210.

Allele frequency attached by ClinVar (database versions not stated): gnomAD 0.00001; gnomAD exomes 0.00001; TOPMed below 0.00001.
gnomAD v4.1: 10 of 1,614,028 alleles (0.00062%); highest among the groups gnomAD compares: Admixed American, 0.005%; no homozygotes.

Submissions (3):

Ambry Genetics
Classification: Uncertain significance. Last evaluated: 2024-12-20. Review status: criteria provided, single submitter. Criteria: Ambry Variant Classification Scheme 2023. Collection method: clinical testing. Allele origin: germline.
Comment: The p.P1030L variant (also known as c.3089C>T), located in coding exon 27 of the KIF1B gene, results from a C to T substitution at nucleotide position 3089. The proline at codon 1030 is replaced by leucine, an amino acid with similar properties. This amino acid position is well conserved in available vertebrate species. In addition, the in silico prediction for this alteration is inconclusive. The evidence for this gene-disease relationship is limited; therefore, the clinical significance of this alteration is unclear.

Labcorp Genetics (formerly Invitae), Labcorp
Classification: Uncertain significance for Charcot-Marie-Tooth disease type 2. Last evaluated: 2024-07-06. Review status: criteria provided, single submitter. Criteria: Invitae Variant Classification Sherloc (09022015). Collection method: clinical testing. Allele origin: germline.
Comment: This sequence change replaces proline, which is neutral and non-polar, with leucine, which is neutral and non-polar, at codon 1030 of the KIF1B protein (p.Pro1030Leu). This variant is not present in population databases (gnomAD no frequency). This variant has not been reported in the literature in individuals affected with KIF1B-related conditions. ClinVar contains an entry for this variant (Variation ID: 1727421). An algorithm developed to predict the effect of missense changes on protein structure and function (PolyPhen-2) suggests that this variant is likely to be tolerated. In summary, the available evidence is currently insufficient to determine the role of this variant in disease. Therefore, it has been classified as a Variant of Uncertain Significance.

Fulgent Genetics
Classification: Uncertain significance for Charcot-Marie-Tooth disease type 2A1; Neuroblastoma, susceptibility to, 1. Last evaluated: 2024-03-13. Review status: criteria provided, single submitter. Criteria: ACMG Guidelines, 2015. Collection method: clinical testing. Allele origin: germline.

NM_001365951.3(KIF1B):c.3227C>T (p.Pro1076Leu)

Gene: KIF1B (kinesin family member 1B; plus strand). Cytogenetic location: 1p36.22.
Variant type: single nucleotide variant.
Coding change: c.3227C>T on transcript NM_001365951.3 (MANE Select); coding-DNA position 3227, C replaced by T.
Protein change: p.Pro1076Leu; replaces proline 1076 with leucine.
Molecular consequence: missense variant.
Genome position (GRCh38, 1-based): chr1:10,337,171, C>T. VCF-style: chr1-10337171-C-T. GRCh37 (hg19) VCF-style: chr1-10397229-C-T.
Other names: c.3227C>T, p.Pro1076Leu (NM_001365952.1); c.3089C>T, p.Pro1030Leu (NM_015074.3); short protein forms P1030L, P1076L.
Identifiers: ClinVar variation 1727421 (VCV001727421.10), dbSNP rs924994950, ClinGen allele CA17841543.